The following is an entry in ClinVar:

NM_006231.4(POLE):c.2735A>G (p.Glu912Gly)

Gene: POLE (DNA polymerase epsilon, catalytic subunit; minus strand). Cytogenetic location: 12q24.33.
Variant type: single nucleotide variant.
Coding change: c.2735A>G on transcript NM_006231.4 (MANE Select); coding-DNA position 2735, A replaced by G.
Protein change: p.Glu912Gly; replaces glutamic acid 912 with glycine.
Molecular consequence: missense variant.
Genome position (GRCh38, 1-based): chr12:132,661,656, T>C on the plus strand (A>G on the coding strand, the complement: POLE is on the minus strand). VCF-style: chr12-132661656-T-C. GRCh37 (hg19) VCF-style: chr12-133238242-T-C.
Other names: short protein forms E912G.
Identifiers: ClinVar variation 3225424 (VCV003225424.1), dbSNP rs2542048642, ClinGen allele CA387393976.

ClinVar aggregate classification (germline): Uncertain significance (1 of 4 stars; one submission).

Conditions:
Hereditary cancer-predisposing syndrome. Also called: Neoplastic Syndromes, Hereditary; Tumor predisposition; Hereditary neoplastic syndrome; Hereditary Cancer Syndrome. Identifiers: Orphanet 140162, MedGen C0027672, MeSH D009386, MONDO:0015356.

Submission:

Ambry Genetics
Classification: Uncertain significance for Hereditary cancer-predisposing syndrome. Last evaluated: 2023-12-01. Review status: criteria provided, single submitter. Criteria: Ambry Variant Classification Scheme 2023. Collection method: clinical testing. Allele origin: germline.
Comment: The p.E912G variant (also known as c.2735A>G), located in coding exon 24 of the POLE gene, results from an A to G substitution at nucleotide position 2735. The glutamic acid at codon 912 is replaced by glycine, an amino acid with similar properties. This amino acid position is conserved. In addition, the in silico prediction for this alteration is inconclusive. Since supporting evidence is limited at this time, the clinical significance of this alteration remains unclear.